The following is an entry in ClinVar:

NM_000535.7(PMS2):c.1614A>G (p.Lys538=)

Gene: PMS2 (PMS1 homolog 2, mismatch repair system component; minus strand). Cytogenetic location: 7p22.1.
Variant type: single nucleotide variant.
Coding change: c.1614A>G on transcript NM_000535.7 (MANE Select); coding-DNA position 1614, A replaced by G.
Protein change: p.Lys538=; no amino-acid change (lysine 538 retained).
Molecular consequence: synonymous variant. On other transcripts: non-coding transcript variant (1).
Genome position (GRCh38, 1-based): chr7:5,987,151, T>C on the plus strand (A>G on the coding strand, the complement: PMS2 is on the minus strand). VCF-style: chr7-5987151-T-C. GRCh37 (hg19) VCF-style: chr7-6026782-T-C.
Other names: c.1209A>G, p.Lys403= (NM_001322003.2, NM_001322004.2, NM_001322005.2 and 1 more transcripts); c.1458A>G, p.Lys486= (NM_001322006.2); c.1296A>G, p.Lys432= (NM_001322007.2, NM_001322008.2); c.1053A>G, p.Lys351= (NM_001322010.2); c.681A>G, p.Lys227= (NM_001322011.2, NM_001322012.2); c.1041A>G, p.Lys347= (NM_001322013.2); c.1614A>G, p.Lys538= (NM_001322014.2); c.1305A>G, p.Lys435= (NM_001322015.2).
Identifiers: ClinVar variation 492261 (VCV000492261.13), dbSNP rs1554297465, ClinGen allele CA453746524.

ClinVar aggregate classification (germline): Benign/Likely benign. Review status: criteria provided, multiple submitters, no conflicts (2 of 4 stars). 4 submissions from 4 submitters: Benign (1); Likely benign (3). Last evaluated 2025-01-31.

Conditions:
Hereditary nonpolyposis colorectal neoplasms. Identifiers: MedGen C0009405, MeSH D003123.
Hereditary cancer-predisposing syndrome. Also called: Hereditary neoplastic syndrome; Tumor predisposition; Hereditary Cancer Syndrome; Neoplastic Syndromes, Hereditary. Identifiers: Orphanet 140162, MedGen C0027672, MeSH D009386, MONDO:0015356.
Lynch syndrome 4 (LYNCH4). Also called: Colorectal cancer, hereditary nonpolyposis, type 4; Hereditary non-polyposis colorectal cancer, type 4. Identifiers: Orphanet 144, MedGen C1838333, MONDO:0013699, OMIM 614337. Disease mechanism: loss of function.

Submissions (4):

Myriad Genetics, Inc.
Classification: Benign for Lynch syndrome 4. Last evaluated: 2025-01-31. Review status: criteria provided, single submitter. Criteria: Myriad Autosomal Dominant, Autosomal Recessive and X-Linked Classification Criteria (2023). Collection method: clinical testing. Allele origin: unknown.
Comment: This variant is considered benign. This variant is a silent/synonymous amino acid change and it is not expected to impact splicing.

Labcorp Genetics (formerly Invitae), Labcorp
Classification: Likely benign for Hereditary nonpolyposis colorectal neoplasms. Last evaluated: 2023-04-25. Review status: criteria provided, single submitter. Criteria: Invitae Variant Classification Sherloc (09022015). Collection method: clinical testing. Allele origin: germline.

Ambry Genetics
Classification: Likely benign for Hereditary cancer-predisposing syndrome. Last evaluated: 2018-06-20. Review status: criteria provided, single submitter. Criteria: Ambry Variant Classification Scheme 2023. Collection method: clinical testing. Allele origin: germline.

Color Diagnostics, LLC DBA Color Health
Classification: Likely benign for Hereditary cancer-predisposing syndrome. Last evaluated: 2016-11-18. Review status: criteria provided, single submitter. Criteria: ACMG Guidelines, 2015. Collection method: clinical testing. Allele origin: germline.